The following is an entry in ClinVar:

ClinVar aggregate classification (germline): Likely benign. Review status: criteria provided, multiple submitters, no conflicts (2 of 4 stars). 2 submissions from 2 submitters: Likely benign (2). Last evaluated 2026-08-27.

Conditions:
DUOX2-related disorder. Also called: DUOX2-related condition.

Allele frequency attached by ClinVar (database versions not stated): TOPMed 0.00003; ExAC 0.00001; gnomAD 0.00002; gnomAD exomes 0.00002.
gnomAD v4.1: 24 of 1,613,840 alleles (0.0015%); highest among the groups gnomAD compares: East Asian, 0.016%; no homozygotes.

Submissions (2):

PreventionGenetics, part of Exact Sciences
Classification: Likely benign for DUOX2-related condition. Last evaluated: 2026-08-27. Review status: criteria provided, single submitter. Criteria: ACMG Guidelines, 2015. Collection method: clinical testing. Allele origin: germline.
Comment: This variant is classified as likely benign based on ACMG/AMP sequence variant interpretation guidelines (Richards et al. 2015 PMID: 25741868, with internal and published modifications).

Labcorp Genetics (formerly Invitae), Labcorp
Classification: Likely benign. Last evaluated: 2025-11-12. Review status: criteria provided, single submitter. Criteria: Invitae Variant Classification Sherloc (09022015). Collection method: clinical testing. Allele origin: germline.

NM_001363711.2(DUOX2):c.1946-4C>A

Gene: DUOX2 (dual oxidase 2; minus strand). Cytogenetic location: 15q21.1.
Variant type: single nucleotide variant.
Coding change: c.1946-4C>A on transcript NM_001363711.2 (MANE Select); 4 bases into the intron before coding-DNA position 1946, C replaced by A.
Molecular consequence: intron variant.
Genome position (GRCh38, 1-based): chr15:45,106,331, G>T on the plus strand (C>A on the coding strand, the complement: DUOX2 is on the minus strand). VCF-style: chr15-45106331-G-T. GRCh37 (hg19) VCF-style: chr15-45398529-G-T.
Other names: c.1946-4C>A (NM_014080.5).
Identifiers: ClinVar variation 720965 (VCV000720965.8), dbSNP rs779372843, ClinGen allele CA7538419.